The following is an entry in ClinVar:

ClinVar aggregate classification (germline): Uncertain significance (1 of 4 stars; one submission).

Conditions:
Charcot-Marie-Tooth disease type 2. Also called: Charcot-Marie-Tooth type 2. Identifiers: Orphanet 64746, MedGen C0270914, MONDO:0018993.

Allele frequency attached by ClinVar (database versions not stated): TOPMed 0.00003.

Submission:

Labcorp Genetics (formerly Invitae), Labcorp
Classification: Uncertain significance for Charcot-Marie-Tooth disease type 2. Last evaluated: 2024-11-07. Review status: criteria provided, single submitter. Criteria: Invitae Variant Classification Sherloc (09022015). Collection method: clinical testing. Allele origin: germline.
Comment: This sequence change replaces glycine, which is neutral and non-polar, with serine, which is neutral and polar, at codon 103 of the MFN2 protein (p.Gly103Ser). This variant is not present in population databases (gnomAD no frequency). This variant has not been reported in the literature in individuals affected with MFN2-related conditions. ClinVar contains an entry for this variant (Variation ID: 2830049). Invitae Evidence Modeling of protein sequence and biophysical properties (such as structural, functional, and spatial information, amino acid conservation, physicochemical variation, residue mobility, and thermodynamic stability) indicates that this missense variant is expected to disrupt MFN2 protein function with a positive predictive value of 95%. In summary, the available evidence is currently insufficient to determine the role of this variant in disease. Therefore, it has been classified as a Variant of Uncertain Significance.

NM_014874.4(MFN2):c.307G>A (p.Gly103Ser)

Gene: MFN2 (mitofusin 2; plus strand). Cytogenetic location: 1p36.22.
Variant type: single nucleotide variant.
Coding change: c.307G>A on transcript NM_014874.4 (MANE Select); coding-DNA position 307, G replaced by A.
Protein change: p.Gly103Ser; replaces glycine 103 with serine.
Molecular consequence: missense variant.
Genome position (GRCh38, 1-based): chr1:11,992,686, G>A. VCF-style: chr1-11992686-G-A. GRCh37 (hg19) VCF-style: chr1-12052743-G-A.
Other names: c.307G>A, p.Gly103Ser (NM_001127660.2); short protein forms G103S.
Identifiers: ClinVar variation 2830049 (VCV002830049.3), dbSNP rs972448302, ClinGen allele CA18038779.